The following is an entry in ClinVar:

NM_018139.3(DNAAF2):c.1813C>T (p.His605Tyr)

Gene: DNAAF2 (dynein axonemal assembly factor 2; minus strand). Cytogenetic location: 14q21.3.
Variant type: single nucleotide variant.
Coding change: c.1813C>T on transcript NM_018139.3 (MANE Select); coding-DNA position 1813, C replaced by T.
Protein change: p.His605Tyr; replaces histidine 605 with tyrosine.
Molecular consequence: missense variant. On other transcripts: intron variant (1).
Genome position (GRCh38, 1-based): chr14:49,633,337, G>A on the plus strand (C>T on the coding strand, the complement: DNAAF2 is on the minus strand). VCF-style: chr14-49633337-G-A. GRCh37 (hg19) VCF-style: chr14-50100055-G-A.
Other names: c.1813C>T (NM_018139.2); c.1813C>T, p.His605Tyr (NM_001083908.2); c.-205+146C>T (NM_001378453.1); short protein forms H605Y.
Identifiers: ClinVar variation 1448813 (VCV001448813.9), dbSNP rs964761675, ClinGen allele CA260667639.

ClinVar aggregate classification (germline): Uncertain significance. Review status: criteria provided, multiple submitters, no conflicts (2 of 4 stars). 2 submissions from 2 submitters: Uncertain significance (2). Last evaluated 2024-02-28.

Conditions:
Primary ciliary dyskinesia. Also called: Ciliary dyskinesia. Identifiers: Orphanet 244, MedGen C0008780, MONDO:0016575, HP:0012265.

Allele frequency attached by ClinVar (database versions not stated): TOPMed 0.00001.
gnomAD v4.1: 2 of 1,614,018 alleles (0.00012%); no homozygotes.

Submissions (2):

Ambry Genetics
Classification: Uncertain significance for Primary ciliary dyskinesia. Last evaluated: 2024-02-28. Review status: criteria provided, single submitter. Criteria: Ambry Variant Classification Scheme 2023. Collection method: clinical testing. Allele origin: germline.

Labcorp Genetics (formerly Invitae), Labcorp
Classification: Uncertain significance for Primary ciliary dyskinesia. Last evaluated: 2021-04-12. Review status: criteria provided, single submitter. Criteria: Invitae Variant Classification Sherloc (09022015). Collection method: clinical testing. Allele origin: germline.
Comment: In summary, the available evidence is currently insufficient to determine the role of this variant in disease. Therefore, it has been classified as a Variant of Uncertain Significance. Algorithms developed to predict the effect of missense changes on protein structure and function output the following: SIFT: "Tolerated"; PolyPhen-2: "Benign"; Align-GVGD: "Class C0". The tyrosine amino acid residue is found in multiple mammalian species, suggesting that this missense change does not adversely affect protein function. These predictions have not been confirmed by published functional studies and their clinical significance is uncertain. This variant has not been reported in the literature in individuals with DNAAF2-related conditions. This variant is not present in population databases (ExAC no frequency). This sequence change replaces histidine with tyrosine at codon 605 of the DNAAF2 protein (p.His605Tyr). The histidine residue is weakly conserved and there is a moderate physicochemical difference between histidine and tyrosine.